The following is an entry in ClinVar:

NM_152564.5(VPS13B):c.4224+620_4224+622del

Gene: VPS13B (vacuolar protein sorting 13 homolog B; plus strand). Cytogenetic location: 8q22.2.
Variant type: Deletion.
Coding change: c.4224+620_4224+622del on transcript NM_152564.5 (MANE Select); bases 620 to 622 of the intron after coding-DNA position 4224, 3 bases deleted (GTA; older notation c.4224+620_4224+622delGTA).
Molecular consequence: intron variant. On other transcripts: inframe indel (1).
Genome position (GRCh38, 1-based): chr8:99,507,823-99,507,825, GTA deleted. VCF-style (leftmost placement, unchanged base first): chr8-99507822-TGTA-T. GRCh37 (hg19) VCF-style: chr8-100520050-TGTA-T.
Other names: c.4211_4213delGTA (NM_017890.3); c.4211_4213del, p.Cys1404_Thr1405delinsSer (NM_017890.5).
Identifiers: ClinVar variation 2157626 (VCV002157626.2), dbSNP rs758324072, ClinGen allele CA4823471.

ClinVar aggregate classification (germline): Uncertain significance. Review status: criteria provided, multiple submitters, no conflicts (2 of 4 stars). 2 submissions from 2 submitters: Uncertain significance (2). Last evaluated 2022-05-05.

Conditions:
Inborn genetic diseases. Identifiers: MedGen C0950123, MeSH D030342.
Cohen syndrome (COH1). Also called: PEPPER SYNDROME; Cutis verticis gyrata, retinitis pigmentosa, and sensorineural deafness. Identifiers: Orphanet 193, MedGen C0265223, MONDO:0008999, OMIM 216550.

Allele frequency attached by ClinVar (database versions not stated): gnomAD exomes 0.00002; ExAC 0.00006.

Submissions (2):

Labcorp Genetics (formerly Invitae), Labcorp
Classification: Uncertain significance for Cohen syndrome. Last evaluated: 2022-05-05. Review status: criteria provided, single submitter. Criteria: Invitae Variant Classification Sherloc (09022015). Collection method: clinical testing. Allele origin: germline.
Comment: This variant, c.4211_4213del, is a complex sequence change that results in the deletion of 2 and insertion of 1 amino acid(s) in the VPS13B protein (p.Cys1404_Thr1405delinsSer). This variant is present in population databases (rs758324072, gnomAD 0.04%), including at least one homozygous and/or hemizygous individual. This variant has not been reported in the literature in individuals affected with VPS13B-related conditions. Experimental studies and prediction algorithms are not available or were not evaluated, and the functional significance of this variant is currently unknown. In summary, the available evidence is currently insufficient to determine the role of this variant in disease. Therefore, it has been classified as a Variant of Uncertain Significance.

Ambry Genetics
Classification: Uncertain significance for Inborn genetic diseases. Last evaluated: 2021-09-22. Review status: criteria provided, single submitter. Criteria: Ambry Variant Classification Scheme 2023. Collection method: clinical testing. Allele origin: germline.
Comment: The c.4211_4213delGTA (p.C1404_T1405delinsS) alteration is located in exon 28 (coding exon 27) of the VPS13B gene. This alteration consists of an in-frame deletion of 3 nucleotides between nucleotide positions c.4211 and c.4213, resulting in the deletion of <NA> residues. Based on insufficient or conflicting evidence, the clinical significance of this alteration remains unclear.